The following is an entry in ClinVar:

ClinVar aggregate classification (germline): Uncertain significance (1 of 4 stars; one submission).

Submission:

Labcorp Genetics (formerly Invitae), Labcorp
Classification: Uncertain significance. Last evaluated: 2025-12-24. Review status: criteria provided, single submitter. Criteria: Invitae Variant Classification Sherloc (09022015). Collection method: clinical testing. Allele origin: germline.
Comment: This sequence change replaces alanine, which is neutral and non-polar, with serine, which is neutral and polar, at codon 1990 of the POLE protein (p.Ala1990Ser). This variant is not present in population databases (gnomAD no frequency). This variant has not been reported in the literature in individuals affected with POLE-related conditions. An algorithm developed to predict the effect of missense changes on protein structure and function (PolyPhen-2) suggests that this variant is likely to be tolerated. In summary, the available evidence is currently insufficient to determine the role of this variant in disease. Therefore, it has been classified as a Variant of Uncertain Significance.

NM_006231.4(POLE):c.5968G>T (p.Ala1990Ser)

Gene: POLE (DNA polymerase epsilon, catalytic subunit; minus strand). Cytogenetic location: 12q24.33.
Variant type: single nucleotide variant.
Coding change: c.5968G>T on transcript NM_006231.4 (MANE Select); coding-DNA position 5968, G replaced by T.
Protein change: p.Ala1990Ser; replaces alanine 1990 with serine.
Molecular consequence: missense variant.
Genome position (GRCh38, 1-based): chr12:132,634,222, C>A on the plus strand (G>T on the coding strand, the complement: POLE is on the minus strand). VCF-style: chr12-132634222-C-A. GRCh37 (hg19) VCF-style: chr12-133210808-C-A.
Other names: short protein forms A1990S.
Identifiers: ClinVar variation 4697551 (VCV004697551.1).